The following is an entry in ClinVar:

NM_001244008.2(KIF1A):c.2992C>T (p.Pro998Ser)

Gene: KIF1A (kinesin family member 1A; minus strand). Cytogenetic location: 2q37.3.
Variant type: single nucleotide variant.
Coding change: c.2992C>T on transcript NM_001244008.2 (MANE Select); coding-DNA position 2992, C replaced by T.
Protein change: p.Pro998Ser; replaces proline 998 with serine.
Molecular consequence: missense variant.
Genome position (GRCh38, 1-based): chr2:240,747,307, G>A on the plus strand (C>T on the coding strand, the complement: KIF1A is on the minus strand). VCF-style: chr2-240747307-G-A. GRCh37 (hg19) VCF-style: chr2-241686724-G-A.
Other names: c.2716C>T, p.Pro906Ser (NM_001320705.2, NM_001330289.2, NM_001379638.1); c.2791C>T, p.Pro931Ser (NM_001330290.2, NM_001379634.1, NM_001379635.1 and 1 more transcripts); c.3067C>T, p.Pro1023Ser (NM_001379631.1); c.2941C>T, p.Pro981Ser (NM_001379632.1); c.2965C>T, p.Pro989Ser (NM_001379633.1, NM_001379642.1, NM_001379645.1); c.2689C>T, p.Pro897Ser (NM_001379636.1, NM_001379639.1, NM_001379640.1 and 7 more transcripts); c.2764C>T, p.Pro922Ser (NM_001379637.1, NM_001379648.1); short protein forms P1023S, P897S, P906S, P922S, P931S, P981S, P989S, P998S.
Identifiers: ClinVar variation 1720012 (VCV001720012.6), dbSNP rs2537328041, ClinGen allele CA351319415.

ClinVar aggregate classification (germline): Uncertain significance (1 of 4 stars; one submission).

Conditions:
Hereditary spastic paraplegia 30. Identifiers: Orphanet 101010, MedGen C5235139, MONDO:0012476.
Neuropathy, hereditary sensory, type 2C. Also called: Hereditary sensory and autonomic neuropathy type IIC; KIF1A-Related HSAN2 (HSAN2C). Identifiers: Orphanet 970, MedGen C3280168, MONDO:0013634, OMIM 614213.
Intellectual disability, autosomal dominant 9 (NESCAVS). Also called: NESCAV SYNDROME; KIF1A-Related Neurodevelopmental Disorder. Identifiers: Orphanet 662367, MedGen C5393830, MONDO:0013656, OMIM 614255.

Submission:

Labcorp Genetics (formerly Invitae), Labcorp
Classification: Uncertain significance for Hereditary spastic paraplegia 30; Neuropathy, hereditary sensory, type 2C; Intellectual disability, autosomal dominant 9. Last evaluated: 2022-09-22. Review status: criteria provided, single submitter. Criteria: Invitae Variant Classification Sherloc (09022015). Collection method: clinical testing. Allele origin: germline.
Comment: In summary, the available evidence is currently insufficient to determine the role of this variant in disease. Therefore, it has been classified as a Variant of Uncertain Significance. Algorithms developed to predict the effect of missense changes on protein structure and function (SIFT, PolyPhen-2, Align-GVGD) all suggest that this variant is likely to be tolerated. This variant has not been reported in the literature in individuals affected with KIF1A-related conditions. This variant is not present in population databases (gnomAD no frequency). This sequence change replaces proline, which is neutral and non-polar, with serine, which is neutral and polar, at codon 897 of the KIF1A protein (p.Pro897Ser).